The following is an entry in ClinVar:

ClinVar aggregate classification (germline): Uncertain significance. Review status: criteria provided, multiple submitters, no conflicts (2 of 4 stars). 3 submissions from 3 submitters: Uncertain significance (3). Last evaluated 2022-11-07.

Conditions:
Cardiovascular phenotype. Identifiers: MedGen CN230736.
Sick sinus syndrome 3, susceptibility to (SSS3). Identifiers: Orphanet 166282, MedGen C3279791, MONDO:0013568, OMIM 614090.
Hypertrophic cardiomyopathy 1 (CMH1). Also called: Familial hypertrophic cardiomyopathy 1; MYH7-Related Familial Hypertrophic Cardiomyopathy. Identifiers: MedGen C3495498, MONDO:0008647, OMIM 192600.
Dilated cardiomyopathy 1EE (CMD1EE). Identifiers: Orphanet 154, MedGen C2750466, MONDO:0013198, OMIM 613252.
Hypertrophic cardiomyopathy 14. Identifiers: MedGen C2750467, MONDO:0013197, OMIM 613251.
Atrial septal defect 3 (ASD3). Identifiers: Orphanet 1478, MedGen C3279790, MONDO:0013567, OMIM 614089.

gnomAD v4.1: 2 of 1,614,124 alleles (0.00012%); highest among the groups gnomAD compares: Non-Finnish European, 0.00017%; no homozygotes.

Submissions (3):

Department of Pathology and Laboratory Medicine, Sinai Health System
Classification: Uncertain significance for Hypertrophic cardiomyopathy 1; Hypertrophic cardiomyopathy 14; Dilated cardiomyopathy 1EE; Atrial septal defect 3; Sick sinus syndrome 3, susceptibility to. Last evaluated: 2022-11-07. Review status: criteria provided, single submitter. Criteria: ACMG Guidelines, 2015. Collection method: research. Allele origin: germline.

Fulgent Genetics
Classification: Uncertain significance for Hypertrophic cardiomyopathy 1; Hypertrophic cardiomyopathy 14; Dilated cardiomyopathy 1EE; Atrial septal defect 3; Sick sinus syndrome 3, susceptibility to. Last evaluated: 2021-11-16. Review status: criteria provided, single submitter. Criteria: ACMG Guidelines, 2015. Collection method: clinical testing. Allele origin: unknown.

Ambry Genetics
Classification: Uncertain significance for Cardiovascular phenotype. Last evaluated: 2020-04-22. Review status: criteria provided, single submitter. Criteria: Ambry Autosomal Dominant and X-Linked criteria (2/2020). Collection method: clinical testing. Allele origin: germline. Observed: 1 variant allele.
Comment: The p.F1898V variant (also known as c.5692T>G), located in coding exon 36 of the MYH6 gene, results from a T to G substitution at nucleotide position 5692. The phenylalanine at codon 1898 is replaced by valine, an amino acid with highly similar properties. This amino acid position is highly conserved in available vertebrate species. In addition, this alteration is predicted to be tolerated by in silico analysis. Since supporting evidence is limited at this time, the clinical significance of this alteration remains unclear.

NM_002471.4(MYH6):c.5692T>G (p.Phe1898Val)

Gene: MYH6 (myosin heavy chain 6; minus strand). Cytogenetic location: 14q11.2.
Variant type: single nucleotide variant.
Coding change: c.5692T>G on transcript NM_002471.4 (MANE Select); coding-DNA position 5692, T replaced by G.
Protein change: p.Phe1898Val; replaces phenylalanine 1898 with valine.
Molecular consequence: missense variant.
Genome position (GRCh38, 1-based): chr14:23,382,532, A>C on the plus strand (T>G on the coding strand, the complement: MYH6 is on the minus strand). VCF-style: chr14-23382532-A-C. GRCh37 (hg19) VCF-style: chr14-23851741-A-C.
Other names: short protein forms F1898V.
Identifiers: ClinVar variation 263719 (VCV000263719.5), dbSNP rs762923098, ClinGen allele CA10587756.